The following is an entry in ClinVar:

NM_000093.5(COL5A1):c.1816C>T (p.Pro606Ser)

Gene: COL5A1 (collagen type V alpha 1 chain; plus strand). Cytogenetic location: 9q34.3.
Variant type: single nucleotide variant.
Coding change: c.1816C>T on transcript NM_000093.5 (MANE Select); coding-DNA position 1816, C replaced by T.
Protein change: p.Pro606Ser; replaces proline 606 with serine.
Molecular consequence: missense variant.
Genome position (GRCh38, 1-based): chr9:134,754,315, C>T. VCF-style: chr9-134754315-C-T. GRCh37 (hg19) VCF-style: chr9-137646161-C-T.
Other names: c.1816C>T, p.Pro606Ser (NM_001278074.1); short protein forms P606S.
Identifiers: ClinVar variation 641445 (VCV000641445.12), dbSNP rs1588506358, ClinGen allele CA375445036.

ClinVar aggregate classification (germline): Uncertain significance (1 of 4 stars; one submission).

Conditions:
Ehlers-Danlos syndrome, classic type, 1 (EDSCL1). Also called: EDS I; EHLERS-DANLOS SYNDROME, GRAVIS TYPE; EHLERS-DANLOS SYNDROME, SEVERE CLASSIC TYPE; Ehlers-Danlos Syndrome, Classic Type, COL5A1-Related; Ehlers-Danlos syndrome, type 1. Identifiers: MedGen C0268335, MONDO:0019567, OMIM 130000.

Allele frequency attached by ClinVar (database versions not stated): gnomAD exomes 0.00001.
gnomAD v4.1: 3 of 1,614,050 alleles (0.00019%); highest among the groups gnomAD compares: East Asian, 0.0022%; no homozygotes.

Submission:

Labcorp Genetics (formerly Invitae), Labcorp
Classification: Uncertain significance for Ehlers-Danlos syndrome, classic type, 1. Last evaluated: 2022-07-05. Review status: criteria provided, single submitter. Criteria: Invitae Variant Classification Sherloc (09022015). Collection method: clinical testing. Allele origin: germline.
Comment: ClinVar contains an entry for this variant (Variation ID: 641445). In summary, the available evidence is currently insufficient to determine the role of this variant in disease. Therefore, it has been classified as a Variant of Uncertain Significance. Advanced modeling of protein sequence and biophysical properties (such as structural, functional, and spatial information, amino acid conservation, physicochemical variation, residue mobility, and thermodynamic stability) performed at Invitae indicates that this missense variant is not expected to disrupt COL5A1 protein function. This variant has not been reported in the literature in individuals affected with COL5A1-related conditions. This variant is not present in population databases (gnomAD no frequency). This sequence change replaces proline, which is neutral and non-polar, with serine, which is neutral and polar, at codon 606 of the COL5A1 protein (p.Pro606Ser).